The following is an entry in ClinVar:

ClinVar aggregate classification (germline): Uncertain significance (1 of 4 stars; one submission).

Conditions:
Fanconi anemia (FA). Also called: Fanconi's anemia. Identifiers: Orphanet 84, MedGen C0015625, MeSH D005199, MONDO:0019391.

Submission:

Labcorp Genetics (formerly Invitae), Labcorp
Classification: Uncertain significance for Fanconi anemia. Last evaluated: 2025-12-04. Review status: criteria provided, single submitter. Criteria: Invitae Variant Classification Sherloc (09022015). Collection method: clinical testing. Allele origin: germline.
Comment: This sequence change replaces leucine, which is neutral and non-polar, with histidine, which is basic and polar, at codon 984 of the FANCA protein (p.Leu984His). This variant is not present in population databases (gnomAD no frequency). This variant has not been reported in the literature in individuals affected with FANCA-related conditions. Invitae Evidence Modeling of protein sequence and biophysical properties (such as structural, functional, and spatial information, amino acid conservation, physicochemical variation, residue mobility, and thermodynamic stability) indicates that this missense variant is expected to disrupt FANCA protein function with a positive predictive value of 95%. In summary, the available evidence is currently insufficient to determine the role of this variant in disease. Therefore, it has been classified as a Variant of Uncertain Significance.

NM_000135.4(FANCA):c.2951T>A (p.Leu984His)

Gene: FANCA (FA complementation group A; minus strand). Cytogenetic location: 16q24.3.
Variant type: single nucleotide variant.
Coding change: c.2951T>A on transcript NM_000135.4 (MANE Select); coding-DNA position 2951, T replaced by A.
Protein change: p.Leu984His; replaces leucine 984 with histidine.
Molecular consequence: missense variant.
Genome position (GRCh38, 1-based): chr16:89,758,607, A>T on the plus strand (T>A on the coding strand, the complement: FANCA is on the minus strand). VCF-style: chr16-89758607-A-T. GRCh37 (hg19) VCF-style: chr16-89825015-A-T.
Other names: c.2951T>A, p.Leu984His (NM_001286167.3); short protein forms L984H.
Identifiers: ClinVar variation 4745562 (VCV004745562.1).
Genomic context (GRCh38, chr16:89,758,607, plus strand): 5'-GAGAACCCTAATACAGTGTGTGCTGCTAACCTTTGGTGGAAATCCATCAGTGCGTTGACA[A>T]GAATGGTACACGCAGCCTGCAGGTCTCCGTCACAGCCCCCTGAAGCCGAGGACTCAGGGA-3'
Protein context (NP_000126.2, residues 974-994): DGDLQAACTI[Leu984His]VNALMDFHQS